The following is an entry in ClinVar:

NM_004260.4(RECQL4):c.2200+4C>A

Gene: RECQL4 (RecQ like helicase 4; minus strand). Cytogenetic location: 8q24.3.
Variant type: single nucleotide variant.
Coding change: c.2200+4C>A on transcript NM_004260.4 (MANE Select); 4 bases into the intron after coding-DNA position 2200, C replaced by A.
Molecular consequence: intron variant.
Genome position (GRCh38, 1-based): chr8:144,513,567, G>T on the plus strand (C>A on the coding strand, the complement: RECQL4 is on the minus strand). VCF-style: chr8-144513567-G-T. GRCh37 (hg19) VCF-style: chr8-145738951-G-T.
Identifiers: ClinVar variation 641108 (VCV000641108.7), dbSNP rs776670526, ClinGen allele CA4948424.

ClinVar aggregate classification (germline): Uncertain significance (1 of 4 stars; one submission).

Conditions:
Baller-Gerold syndrome (BGS). Also called: CRANIOSYNOSTOSIS WITH RADIAL DEFECTS. Identifiers: Orphanet 1225, MedGen C0265308, MONDO:0009039, OMIM 218600.

Allele frequency attached by ClinVar (database versions not stated): TOPMed 0.00001.
gnomAD v4.1: 5 of 1,610,244 alleles (0.00031%); highest among the groups gnomAD compares: Non-Finnish European, 0.00042%; no homozygotes.

Submission:

Labcorp Genetics (formerly Invitae), Labcorp
Classification: Uncertain significance for Baller-Gerold syndrome. Last evaluated: 2024-05-06. Review status: criteria provided, single submitter. Criteria: Invitae Variant Classification Sherloc (09022015). Collection method: clinical testing. Allele origin: germline.
Comment: This sequence change falls in intron 13 of the RECQL4 gene. It does not directly change the encoded amino acid sequence of the RECQL4 protein. It affects a nucleotide within the consensus splice site. The frequency data for this variant in the population databases is considered unreliable, as metrics indicate poor data quality at this position in the gnomAD database. This variant has not been reported in the literature in individuals affected with RECQL4-related conditions. ClinVar contains an entry for this variant (Variation ID: 641108). Variants that disrupt the consensus splice site are a relatively common cause of aberrant splicing (PMID: 17576681, 9536098). Algorithms developed to predict the effect of sequence changes on RNA splicing suggest that this variant is not likely to affect RNA splicing. In summary, the available evidence is currently insufficient to determine the role of this variant in disease. Therefore, it has been classified as a Variant of Uncertain Significance.

Literature cited by the submitters: PubMed 17576681; PubMed 9536098.